The following is an entry in ClinVar:

NM_024876.4(COQ8B):c.1080G>A (p.Glu360=)

Gene: COQ8B (coenzyme Q8B; minus strand). Cytogenetic location: 19q13.2.
Variant type: single nucleotide variant.
Coding change: c.1080G>A on transcript NM_024876.4 (MANE Select); coding-DNA position 1080, G replaced by A.
Protein change: p.Glu360=; no amino-acid change (glutamic acid 360 retained).
Molecular consequence: synonymous variant.
Genome position (GRCh38, 1-based): chr19:40,700,130, C>T on the plus strand (G>A on the coding strand, the complement: COQ8B is on the minus strand). VCF-style: chr19-40700130-C-T. GRCh37 (hg19) VCF-style: chr19-41206035-C-T.
Other names: c.957G>A, p.Glu319= (NM_001142555.3).
Identifiers: ClinVar variation 515740 (VCV000515740.8), dbSNP rs1555756422, ClinGen allele CA507503410.

ClinVar aggregate classification (germline): Likely benign. Review status: criteria provided, multiple submitters, no conflicts (2 of 4 stars). 2 submissions from 2 submitters: Likely benign (2). Last evaluated 2025-04-02.

Allele frequency attached by ClinVar (database versions not stated): gnomAD exomes below 0.00001.
gnomAD v4.1: 2 of 1,614,240 alleles (0.00012%); highest among the groups gnomAD compares: Non-Finnish European, 0.00017%; no homozygotes.

Submissions (2):

Labcorp Genetics (formerly Invitae), Labcorp
Classification: Likely benign. Last evaluated: 2025-04-02. Review status: criteria provided, single submitter. Criteria: Invitae Variant Classification Sherloc (09022015). Collection method: clinical testing. Allele origin: germline.

GeneDx
Classification: Likely benign. Last evaluated: 2018-03-05. Review status: criteria provided, single submitter. Criteria: GeneDx Variant Classification (06012015). Collection method: clinical testing. Allele origin: germline. Affected: yes.
Comment: This variant is considered likely benign or benign based on one or more of the following criteria: it is a conservative change, it occurs at a poorly conserved position in the protein, it is predicted to be benign by multiple in silico algorithms, and/or has population frequency not consistent with disease.